The following is an entry in ClinVar:

ClinVar aggregate classification (germline): Likely benign (1 of 4 stars; one submission).

Conditions:
Familial hypercholesterolemia. Also called: Familial hypercholesterolaemia. Identifiers: MedGen C0020445, MONDO:0005439.

gnomAD v4.1: 2 of 1,614,036 alleles (0.00012%); highest among the groups gnomAD compares: Middle Eastern, 0.016%; no homozygotes.

Submission:

GENinCode PLC
Classification: Likely benign for Familial hypercholesterolemia. Last evaluated: 2023-05-11. Review status: criteria provided, single submitter. Criteria: ACMG Guidelines, 2015. Collection method: clinical testing. Allele origin: germline.
Comment: This is a synonymous (silent) variant that is not predicted by SpliceAI to impact splicing. In addition, it occurs at a nucleotide that is not conserved. Therefore this variant has been classified as Likely Benign (BP4, BP7).

NM_000384.3(APOB):c.10596G>T (p.Leu3532=)

Gene: APOB (apolipoprotein B; minus strand). Cytogenetic location: 2p24.1.
Variant type: single nucleotide variant.
Coding change: c.10596G>T on transcript NM_000384.3 (MANE Select); coding-DNA position 10596, G replaced by T.
Protein change: p.Leu3532=; no amino-acid change (leucine 3532 retained).
Molecular consequence: synonymous variant.
Genome position (GRCh38, 1-based): chr2:21,006,272, C>A on the plus strand (G>T on the coding strand, the complement: APOB is on the minus strand). VCF-style: chr2-21006272-C-A. GRCh37 (hg19) VCF-style: chr2-21229144-C-A.
Identifiers: ClinVar variation 3393002 (VCV003393002.1).